The following is an entry in ClinVar:

ClinVar aggregate classification (somatic clinical impact): Tier II - Potential (1 of 4 stars; one submission).

Conditions:
Medulloblastoma non-WNT/non-SHH. Identifiers: MedGen C4330667, MONDO:0850198.

Submission:

Institute for Genomic Medicine (IGM) Clinical Laboratory, Nationwide Children's Hospital
Classification: Tier II - Potential for Medulloblastoma non-WNT/non-SHH. Assertion type: diagnostic. Clinical significance: supports diagnosis. Last evaluated: 2025-02-18. Review status: criteria provided, single submitter. Criteria: AMP/ASCO/CAP Guidelines, 2017. Collection method: clinical testing. Allele origin: somatic. Affected: yes.
Comment: Variant has Tier II (potential) clinical significance as a diagnostic inclusion criterion in medulloblastoma non-WNT/non-SHH, based on the following evidence: 1) Documented in one or more cancer databases (e.g., St. Jude Pecan, COSMIC, CIViC, OncoKB). 2) Assists in diagnosis alone or along with other biomarkers based on small studies or few case reports (Evidence Level D; PMIDs: 24651015, 28726821, 33741928).

Literature cited by the submitters: PubMed 24651015; PubMed 28726821; PubMed 33741928.

NM_016604.4(KDM3B):c.4483C>T (p.Arg1495Ter)

Gene: KDM3B (lysine demethylase 3B; plus strand). Cytogenetic location: 5q31.2.
Variant type: single nucleotide variant.
Coding change: c.4483C>T on transcript NM_016604.4 (MANE Select); coding-DNA position 4483, C replaced by T.
Protein change: p.Arg1495Ter; replaces arginine 1495 with a stop codon.
Molecular consequence: nonsense.
Genome position (GRCh38, 1-based): chr5:138,427,046, C>T. VCF-style: chr5-138427046-C-T. GRCh37 (hg19) VCF-style: chr5-137762735-C-T.
Other names: short protein forms R1495*.
Identifiers: ClinVar variation 4530514 (VCV004530514.1).
Genomic context (GRCh38, chr5:138,427,046, plus strand): 5'-TCAGAAGATGGGCAGCCAATGGTGCTCAAACTCAAGGACTGGCCTCCTGGGGAAGATTTT[C>T]GAGACATGATGCCAACCAGGTTAGTGACCTGCAGTGGTGTCATCTTCAGAAGCCATCACA-3'